The following is an entry in ClinVar:

ClinVar aggregate classification (germline): Likely pathogenic. Review status: criteria provided, multiple submitters, no conflicts (2 of 4 stars). 2 submissions from 2 submitters: Likely pathogenic (2). Last evaluated 2024-11-18.

Conditions:
PSAT1-related disorder. Also called: PSAT1-related condition; PSAT1-related disorders.
Neu-Laxova syndrome 2. Identifiers: Orphanet 2671, Orphanet 583602, MedGen C4015019, MONDO:0014466, OMIM 616038.

Submissions (2):

Labcorp Genetics (formerly Invitae), Labcorp
Classification: Likely pathogenic for Neu-Laxova syndrome 2. Last evaluated: 2024-11-18. Review status: criteria provided, single submitter. Criteria: Invitae Variant Classification Sherloc (09022015). Collection method: clinical testing. Allele origin: germline.
Comment: This sequence change affects a donor splice site in intron 5 of the PSAT1 gene. It is expected to disrupt RNA splicing. Variants that disrupt the donor or acceptor splice site typically lead to a loss of protein function (PMID: 16199547), and loss-of-function variants in PSAT1 are known to be pathogenic (PMID: 17436247, 25152457). This variant is not present in population databases (gnomAD no frequency). This variant has not been reported in the literature in individuals affected with PSAT1-related conditions. ClinVar contains an entry for this variant (Variation ID: 3068798). Algorithms developed to predict the effect of sequence changes on RNA splicing suggest that this variant may disrupt the consensus splice site. In summary, the currently available evidence indicates that the variant is pathogenic, but additional data are needed to prove that conclusively. Therefore, this variant has been classified as Likely Pathogenic.

Women's Health and Genetics/Laboratory Corporation of America, LabCorp
Classification: Likely pathogenic for PSAT1-Related Disorders. Last evaluated: 2024-02-07. Review status: criteria provided, single submitter. Criteria: LabCorp Variant Classification Summary - May 2015. Collection method: clinical testing. Allele origin: germline.
Comment: Variant summary: PSAT1 c.570+2T>C is located in a canonical splice-site and is predicted to affect mRNA splicing resulting in a significantly altered protein due to either exon skipping, shortening, or inclusion of intronic material. Several computational tools predict a significant impact on normal splicing: Four predict the variant abolishes a canonical 5' splicing donor site. However, these predictions have yet to be confirmed by functional studies. The variant was absent in 251392 control chromosomes (gnomAD). To our knowledge, no occurrence of c.570+2T>C in individuals affected with PSAT1-Related Disorders and no experimental evidence demonstrating its impact on protein function have been reported. No submitters have cited clinical-significance assessments for this variant to ClinVar. Based on the evidence outlined above, the variant was classified as likely pathogenic.

Literature cited by the submitters: PubMed 16199547 (cited by Labcorp Genetics (formerly Invitae), Labcorp); PubMed 17436247 (cited by Labcorp Genetics (formerly Invitae), Labcorp); PubMed 25152457 (cited by Labcorp Genetics (formerly Invitae), Labcorp).

NM_058179.4(PSAT1):c.570+2T>C

Gene: PSAT1 (phosphoserine aminotransferase 1; plus strand). Cytogenetic location: 9q21.2.
Variant type: single nucleotide variant.
Coding change: c.570+2T>C on transcript NM_058179.4 (MANE Select); the canonical splice donor site of the intron after coding-DNA position 570, T replaced by C.
Molecular consequence: splice donor variant.
Genome position (GRCh38, 1-based): chr9:78,306,488, T>C. VCF-style: chr9-78306488-T-C. GRCh37 (hg19) VCF-style: chr9-80921404-T-C.
Other names: c.570+2T>C (NM_021154.5).
Identifiers: ClinVar variation 3068798 (VCV003068798.4), dbSNP rs2489645698, ClinGen allele CA373873780.